The following is an entry in ClinVar:

NM_001077350.3(NPRL3):c.19C>A (p.Pro7Thr)

Genes: HBA-LCR (alpha-globin locus control region; plus strand), NPRL3 (NPR3 like, GATOR1 complex subunit; minus strand). Cytogenetic location: 16p13.3.
Variant type: single nucleotide variant.
Coding change: c.19C>A on transcript NM_001077350.3 (MANE Select); coding-DNA position 19, C replaced by A.
Protein change: p.Pro7Thr; replaces proline 7 with threonine.
Molecular consequence: missense variant. On other transcripts: 5 prime UTR variant (2).
Genome position (GRCh38, 1-based): chr16:138,249, G>T on the plus strand (C>A on the coding strand, the complement: NPRL3 is on the minus strand). VCF-style: chr16-138249-G-T. GRCh37 (hg19) VCF-style: chr16-188248-G-T.
Other names: c.-314C>A (NM_001039476.3); c.-353C>A (NM_001243247.2); c.19C>A, p.Pro7Thr (NM_001243248.2, NM_001243249.2); short protein forms P7T.
Identifiers: ClinVar variation 965904 (VCV000965904.9), dbSNP rs1901212556, ClinGen allele CA393999693.

ClinVar aggregate classification (germline): Uncertain significance (1 of 4 stars; one submission).

Conditions:
Epilepsy, familial focal, with variable foci 3 (FFEVF3). Identifiers: MedGen C4310708, MONDO:0014925, OMIM 617118.

Allele frequency attached by ClinVar (database versions not stated): gnomAD exomes below 0.00001; TOPMed below 0.00001.

Submission:

Labcorp Genetics (formerly Invitae), Labcorp
Classification: Uncertain significance for Epilepsy, familial focal, with variable foci 3. Last evaluated: 2022-08-23. Review status: criteria provided, single submitter. Criteria: Invitae Variant Classification Sherloc (09022015). Collection method: clinical testing. Allele origin: germline.
Comment: In summary, the available evidence is currently insufficient to determine the role of this variant in disease. Therefore, it has been classified as a Variant of Uncertain Significance. This sequence change replaces proline, which is neutral and non-polar, with threonine, which is neutral and polar, at codon 7 of the NPRL3 protein (p.Pro7Thr). This variant is not present in population databases (gnomAD no frequency). This variant has not been reported in the literature in individuals affected with NPRL3-related conditions. ClinVar contains an entry for this variant (Variation ID: 965904).